The following is an entry in ClinVar:

NM_001204.7(BMPR2):c.981T>C (p.Pro327=)

Gene: BMPR2 (bone morphogenetic protein receptor type 2; plus strand). Cytogenetic location: 2q33.2.
Variant type: single nucleotide variant.
Coding change: c.981T>C on transcript NM_001204.7 (MANE Select); coding-DNA position 981, T replaced by C.
Protein change: p.Pro327=; no amino-acid change (proline 327 retained).
Molecular consequence: synonymous variant.
Genome position (GRCh38, 1-based): chr2:202,530,807, T>C. VCF-style: chr2-202530807-T-C. GRCh37 (hg19) VCF-style: chr2-203395530-T-C.
Identifiers: ClinVar variation 696596 (VCV000696596.18), dbSNP rs149225691, ClinGen allele CA2061271.

ClinVar aggregate classification (germline): Benign/Likely benign. Review status: criteria provided, multiple submitters, no conflicts (2 of 4 stars). 5 submissions from 5 submitters: Benign (1); Likely benign (4). Last evaluated 2026-01-14.

Conditions:
Inborn genetic diseases. Identifiers: MedGen C0950123, MeSH D030342.
Pulmonary hypertension, primary, 1 (PPH1). Also called: Pulmonary hypertension, familial primary, 1, with or without HHT. Identifiers: Orphanet 422, MedGen C4552070, MONDO:0024533, OMIM 178600.
Primary pulmonary hypertension. Also called: Idiopathic pulmonary hypertension. Identifiers: MedGen C0152171.

Allele frequency attached by ClinVar (database versions not stated): gnomAD exomes 0.00009 and 0.00013; gnomAD 0.00010; TOPMed 0.00012; ExAC 0.00017; ESP Exome Variant Server 0.00031.
gnomAD v4.1: 143 of 1,612,338 alleles (0.0089%); highest among the groups gnomAD compares: Middle Eastern, 0.082%; no homozygotes.

Submissions (5):

Labcorp Genetics (formerly Invitae), Labcorp
Classification: Likely benign for Primary pulmonary hypertension. Last evaluated: 2026-01-14. Review status: criteria provided, single submitter. Criteria: Invitae Variant Classification Sherloc (09022015). Collection method: clinical testing. Allele origin: germline.

Ambry Genetics
Classification: Likely benign for Inborn genetic diseases. Last evaluated: 2024-11-17. Review status: criteria provided, single submitter. Criteria: Ambry Variant Classification Scheme 2023. Collection method: clinical testing. Allele origin: germline.

Blueprint Genetics
Classification: Likely benign. Last evaluated: 2024-11-01. Review status: criteria provided, single submitter. Criteria: ACMG Guidelines, 2015. Collection method: clinical testing. Allele origin: germline.

Illumina Laboratory Services, Illumina
Classification: Benign for Pulmonary hypertension, primary, 1. Last evaluated: 2017-11-02. Review status: criteria provided, single submitter. Criteria: ICSL Variant Classification Criteria 13 December 2019. Collection method: clinical testing. Allele origin: germline.
Comment: This variant was observed as part of a predisposition screen in an ostensibly healthy population. A literature search was performed for the gene, cDNA change, and amino acid change (where applicable). Publications were found based on this search. The evidence from the literature, in combination with allele frequency data from public databases where available, was sufficient to rule this variant out of causing disease. Therefore, this variant is classified as benign.

Breakthrough Genomics
Classification: Likely benign. Review status: criteria provided, single submitter. Criteria: ACMG Guidelines, 2015. Collection method: not provided. Allele origin: germline. Inheritance: Autosomal dominant inheritance. Affected: yes.

Literature cited by the submitters: PubMed 28507310 (cited by Illumina Laboratory Services, Illumina); PubMed 27630060 (cited by Illumina Laboratory Services, Illumina); PubMed 24936649 (cited by Illumina Laboratory Services, Illumina).